The following is an entry in ClinVar:

ClinVar aggregate classification (germline): Uncertain significance (1 of 4 stars; one submission).

Conditions:
Hereditary pancreatitis (PCTT). Also called: Hereditary chronic pancreatitis; PRSS1-Related Hereditary Pancreatitis. Identifiers: Orphanet 676, MedGen C0238339, MONDO:0008185, OMIM 167800.

gnomAD v4.1: 1 of 1,614,172 alleles (0.000062%); highest among the groups gnomAD compares: Non-Finnish European, 0.000085%; no homozygotes.

Submission:

Ambry Genetics
Classification: Uncertain significance for Hereditary pancreatitis. Last evaluated: 2024-05-12. Review status: criteria provided, single submitter. Criteria: Ambry Variant Classification Scheme 2023. Collection method: clinical testing. Allele origin: germline.
Comment: The p.G233V variant (also known as c.698G>T), located in coding exon 7 of the CTRC gene, results from a G to T substitution at nucleotide position 698. The glycine at codon 233 is replaced by valine, an amino acid with dissimilar properties. This amino acid position is conserved. In addition, this alteration is predicted to be deleterious by in silico analysis. Based on the available evidence, the clinical significance of this variant remains unclear.

NM_007272.3(CTRC):c.698G>T (p.Gly233Val)

Gene: CTRC (chymotrypsin C; plus strand). Cytogenetic location: 1p36.21.
Variant type: single nucleotide variant.
Coding change: c.698G>T on transcript NM_007272.3 (MANE Select); coding-DNA position 698, G replaced by T.
Protein change: p.Gly233Val; replaces glycine 233 with valine.
Molecular consequence: missense variant.
Genome position (GRCh38, 1-based): chr1:15,445,655, G>T. VCF-style: chr1-15445655-G-T. GRCh37 (hg19) VCF-style: chr1-15772150-G-T.
Other names: short protein forms G233V.
Identifiers: ClinVar variation 3270196 (VCV003270196.1).